The following is an entry in ClinVar:

NC_000002.11:g.(?_44047034)_(44047259_?)del

Gene: ABCG5 (ATP binding cassette subfamily G member 5; minus strand). Cytogenetic location: 2p21.
Variant type: Deletion.
Identifiers: ClinVar variation 2426745 (VCV002426745.3).

ClinVar aggregate classification (germline): Uncertain significance (1 of 4 stars; one submission).

Conditions:
Sitosterolemia (STSL). Also called: PHYTOSTEROLEMIA. Identifiers: Orphanet 2882, MedGen C0342907, MONDO:0008863.

Submission:

Labcorp Genetics (formerly Invitae), Labcorp
Classification: Uncertain significance for Sitosterolemia. Last evaluated: 2022-08-13. Review status: criteria provided, single submitter. Criteria: Invitae Variant Classification Sherloc (09022015). Collection method: clinical testing. Allele origin: germline.
Comment: This variant is a gross deletion of the genomic region encompassing exon(s) 11 of the ABCG5 gene. This variant would be expected to be in-frame, preserving the integrity of the reading frame. This variant has not been reported in the literature in individuals affected with ABCG5-related conditions. Experimental studies and prediction algorithms are not available or were not evaluated, and the functional significance of this variant is currently unknown. In summary, the available evidence is currently insufficient to determine the role of this variant in disease. Therefore, it has been classified as a Variant of Uncertain Significance.